The following is an entry in ClinVar:

NM_001127222.2(CACNA1A):c.5095G>A (p.Ala1699Thr)

Gene: CACNA1A (calcium voltage-gated channel subunit alpha1 A; minus strand). Cytogenetic location: 19p13.13.
Variant type: single nucleotide variant.
Coding change: c.5095G>A on transcript NM_001127222.2 (MANE Select); coding-DNA position 5095, G replaced by A.
Protein change: p.Ala1699Thr; replaces alanine 1699 with threonine.
Molecular consequence: missense variant.
Genome position (GRCh38, 1-based): chr19:13,235,247, C>T on the plus strand (G>A on the coding strand, the complement: CACNA1A is on the minus strand). VCF-style: chr19-13235247-C-T. GRCh37 (hg19) VCF-style: chr19-13346061-C-T.
Other names: c.5113G>A, p.Ala1705Thr (NM_000068.4, NM_023035.3); c.5098G>A, p.Ala1700Thr (NM_001127221.2); c.5104G>A, p.Ala1702Thr (NM_001174080.2); short protein forms A1700T, A1699T, A1702T, A1705T.
Identifiers: ClinVar variation 196860 (VCV000196860.17), dbSNP rs371273055, ClinGen allele CA244640.
Genomic context (GRCh38, chr19:13,235,247, plus strand): 5'-ACCTTAGGGACACGACACTCACCTGCATCCCAATGATGGCATAGATGAAGAAGAGCATGG[C>T]GATCAGCAGACAGACATAAGGCAGGGCCTGGTGGGAAAAAAGGCAATGAAGAAGAGTGCT-3'
Protein context (NP_001120694.1, residues 1689-1709): KALPYVCLLI[Ala1699Thr]MLFFIYAIIG

ClinVar aggregate classification (germline): Uncertain significance. Review status: criteria provided, multiple submitters, no conflicts (2 of 4 stars). 4 submissions from 4 submitters: Uncertain significance (4). Last evaluated 2025-01-17.

Conditions:
Developmental and epileptic encephalopathy, 42 (DEE42A). Also called: Epileptic encephalopathy, early infantile, 42; DEVELOPMENTAL AND EPILEPTIC ENCEPHALOPATHY 42A; EPILEPTIC ENCEPHALOPATHY, EARLY INFANTILE, 42A. Identifiers: MedGen C4310716, MONDO:0014917, OMIM 617106.
Episodic ataxia type 2 (EA2). Also called: ACETAZOLAMIDE-RESPONSIVE HEREDITARY PAROXYSMAL CEREBELLAR ATAXIA; ATAXIA, EPISODIC, WITH NYSTAGMUS; ATAXIA, FAMILIAL PAROXYSMAL; CEREBELLAR ATAXIA, PAROXYSMAL, ACETAZOLAMIDE-RESPONSIVE; CEREBELLOPATHY, HEREDITARY PAROXYSMAL; EPISODIC ATAXIA, NYSTAGMUS-ASSOCIATED. Identifiers: Orphanet 97, MedGen C1720416, MONDO:0007163, OMIM 108500.
Inborn genetic diseases. Identifiers: MedGen C0950123, MeSH D030342.

Allele frequency attached by ClinVar (database versions not stated): gnomAD exomes 0.00001; ExAC 0.00002; TOPMed 0.00002; gnomAD 0.00004; ESP Exome Variant Server 0.00008.
gnomAD v4.1: 14 of 1,600,442 alleles (0.00087%); highest among the groups gnomAD compares: African/African-American, 0.0094%; no homozygotes.

Submissions (4):

Ambry Genetics
Classification: Uncertain significance for Inborn genetic diseases. Last evaluated: 2025-01-17. Review status: criteria provided, single submitter. Criteria: Ambry Variant Classification Scheme 2023. Collection method: clinical testing. Allele origin: germline.

Labcorp Genetics (formerly Invitae), Labcorp
Classification: Uncertain significance for Developmental and epileptic encephalopathy, 42; Episodic ataxia type 2. Last evaluated: 2024-02-15. Review status: criteria provided, single submitter. Criteria: Invitae Variant Classification Sherloc (09022015). Collection method: clinical testing. Allele origin: germline.
Comment: This sequence change replaces alanine, which is neutral and non-polar, with threonine, which is neutral and polar, at codon 1700 of the CACNA1A protein (p.Ala1700Thr). The frequency data for this variant in the population databases is considered unreliable, as metrics indicate poor data quality at this position in the gnomAD database. This variant has not been reported in the literature in individuals affected with CACNA1A-related conditions. ClinVar contains an entry for this variant (Variation ID: 196860). Advanced modeling of protein sequence and biophysical properties (such as structural, functional, and spatial information, amino acid conservation, physicochemical variation, residue mobility, and thermodynamic stability) performed at Invitae indicates that this missense variant is expected to disrupt CACNA1A protein function with a positive predictive value of 95%. In summary, the available evidence is currently insufficient to determine the role of this variant in disease. Therefore, it has been classified as a Variant of Uncertain Significance.

GeneDx
Classification: Uncertain significance. Last evaluated: 2021-02-16. Review status: criteria provided, single submitter. Criteria: GeneDx Variant Classification Process June 2021. Collection method: clinical testing. Allele origin: germline. Affected: yes.
Comment: In silico analysis, which includes protein predictors and evolutionary conservation, supports a deleterious effect; Has not been previously published as pathogenic or benign to our knowledge

Eurofins Ntd Llc (ga)
Classification: Uncertain significance. Last evaluated: 2015-05-27. Review status: criteria provided, single submitter. Criteria: EGL Classification Definitions 2015. Collection method: clinical testing. Allele origin: germline. Observed: 1 variant allele, 1 heterozygote.